The following is an entry in ClinVar:

ClinVar aggregate classification (germline): Uncertain significance. Review status: criteria provided, multiple submitters, no conflicts (2 of 4 stars). 3 submissions from 3 submitters: Uncertain significance (3). Last evaluated 2026-01-19.

Conditions:
Telangiectasia, hereditary hemorrhagic, type 1 (HHT1). Also called: Osler Weber Rendu syndrome type 1; ENG-Related Hereditary Hemorrhagic Telangiectasia. Identifiers: Orphanet 774, MedGen C4551861, MONDO:0008535, OMIM 187300. Disease mechanism: loss of function.
Hereditary hemorrhagic telangiectasia (HHT). Also called: Osler hemorrhagic telangiectasia syndrome; ORW DISEASE; Osler Weber Rendu syndrome; OSLER-RENDU-WEBER DISEASE. Identifiers: Orphanet 774, MedGen C0039445, MONDO:0019180. Disease mechanism: loss of function.
Cardiovascular phenotype. Identifiers: MedGen CN230736.

Allele frequency attached by ClinVar (database versions not stated): gnomAD 0.00001; TOPMed 0.00001; gnomAD exomes 0.00002.
gnomAD v4.1: 32 of 1,613,960 alleles (0.002%); highest among the groups gnomAD compares: Non-Finnish European, 0.0026%; no homozygotes.

Submissions (3):

Ambry Genetics
Classification: Uncertain significance for Cardiovascular phenotype. Last evaluated: 2026-01-19. Review status: criteria provided, single submitter. Criteria: Ambry Variant Classification Scheme 2023. Collection method: clinical testing. Allele origin: germline.
Comment: The p.M445I variant (also known as c.1335G>A), located in coding exon 11 of the ENG gene, results from a G to A substitution at nucleotide position 1335. The methionine at codon 445 is replaced by isoleucine, an amino acid with highly similar properties. This amino acid position is conserved. In addition, this alteration is predicted to be tolerated by in silico analysis. Based on the available evidence, the clinical significance of this variant remains unclear.

Fulgent Genetics
Classification: Uncertain significance for Telangiectasia, hereditary hemorrhagic, type 1. Last evaluated: 2024-02-23. Review status: criteria provided, single submitter. Criteria: ACMG Guidelines, 2015. Collection method: clinical testing. Allele origin: germline.

Labcorp Genetics (formerly Invitae), Labcorp
Classification: Uncertain significance for Hereditary hemorrhagic telangiectasia. Last evaluated: 2023-11-23. Review status: criteria provided, single submitter. Criteria: Invitae Variant Classification Sherloc (09022015). Collection method: clinical testing. Allele origin: germline.
Comment: This sequence change replaces methionine, which is neutral and non-polar, with isoleucine, which is neutral and non-polar, at codon 445 of the ENG protein (p.Met445Ile). This variant is not present in population databases (gnomAD no frequency). This variant has not been reported in the literature in individuals affected with ENG-related conditions. ClinVar contains an entry for this variant (Variation ID: 574425). Advanced modeling of protein sequence and biophysical properties (such as structural, functional, and spatial information, amino acid conservation, physicochemical variation, residue mobility, and thermodynamic stability) performed at Invitae indicates that this missense variant is not expected to disrupt ENG protein function with a negative predictive value of 95%. In summary, the available evidence is currently insufficient to determine the role of this variant in disease. Therefore, it has been classified as a Variant of Uncertain Significance.

NM_001114753.3(ENG):c.1335G>A (p.Met445Ile)

Genes: ENG (endoglin; minus strand), LOC102723566 (uncharacterized LOC102723566; plus strand). Cytogenetic location: 9q34.11.
Variant type: single nucleotide variant.
Coding change: c.1335G>A on transcript NM_001114753.3 (MANE Select); coding-DNA position 1335, G replaced by A.
Protein change: p.Met445Ile; replaces methionine 445 with isoleucine.
Molecular consequence: missense variant.
Genome position (GRCh38, 1-based): chr9:127,818,809, C>T on the plus strand (G>A on the coding strand, the complement: ENG is on the minus strand). VCF-style: chr9-127818809-C-T. GRCh37 (hg19) VCF-style: chr9-130581088-C-T.
Other names: c.1335G>A, p.Met445Ile (NM_000118.4); c.789G>A, p.Met263Ile (NM_001278138.2); c.1335G>A (NM_001114753.1); short protein forms M445I, M263I.
Identifiers: ClinVar variation 574425 (VCV000574425.12), dbSNP rs777564305, ClinGen allele CA200304390.